The following is an entry in ClinVar:

NM_001617.4(ADD2):c.1896C>T (p.Ser632=)

Gene: ADD2 (adducin 2; minus strand). Cytogenetic location: 2p13.3.
Variant type: single nucleotide variant.
Coding change: c.1896C>T on transcript NM_001617.4 (MANE Select); coding-DNA position 1896, C replaced by T.
Protein change: p.Ser632=; no amino-acid change (serine 632 retained).
Molecular consequence: synonymous variant. On other transcripts: 3 prime UTR variant (1).
Genome position (GRCh38, 1-based): chr2:70,663,710, G>A on the plus strand (C>T on the coding strand, the complement: ADD2 is on the minus strand). VCF-style: chr2-70663710-G-A. GRCh37 (hg19) VCF-style: chr2-70890842-G-A.
Other names: c.1896C>T, p.Ser632= (NM_001185054.2); c.*50C>T (NM_017488.4).
Identifiers: ClinVar variation 2651014 (VCV002651014.24), dbSNP rs782227454, ClinGen allele CA1698896.

ClinVar aggregate classification (germline): Likely benign (1 of 4 stars; one submission).

Allele frequency attached by ClinVar (database versions not stated): ExAC 0.00001; TOPMed 0.00002; gnomAD 0.00003; gnomAD exomes 0.00003.
gnomAD v4.1: 61 of 1,613,834 alleles (0.0038%); highest among the groups gnomAD compares: Non-Finnish European, 0.0045%; no homozygotes.

Submission:

CeGaT Center for Human Genetics Tuebingen
Classification: Likely benign. Last evaluated: 2022-05-01. Review status: criteria provided, single submitter. Criteria: CeGaT Center For Human Genetics Tuebingen Variant Classification Criteria Version 2. Collection method: clinical testing. Allele origin: germline. Affected: yes. Observed: 1 variant allele.
Comment: ADD2: BP4, BP7